The following is an entry in ClinVar:

ClinVar aggregate classification (germline): Conflicting classifications of pathogenicity. Review status: criteria provided, conflicting classifications (1 of 4 stars). 2 submissions from 2 submitters: Uncertain significance (1); Benign (1). Last evaluated 2025-03-31.

Conditions:
Primary ciliary dyskinesia. Also called: Ciliary dyskinesia. Identifiers: Orphanet 244, MedGen C0008780, MONDO:0016575, HP:0012265.

Allele frequency attached by ClinVar (database versions not stated): TOPMed below 0.00001; gnomAD exomes 0.00001.
gnomAD v4.1: 19 of 1,610,584 alleles (0.0012%); highest among the groups gnomAD compares: Non-Finnish European, 0.0015%; no homozygotes.

Submissions (2):

Labcorp Genetics (formerly Invitae), Labcorp
Classification: Benign for Primary ciliary dyskinesia. Last evaluated: 2025-03-31. Review status: criteria provided, single submitter. Criteria: Invitae Variant Classification Sherloc (09022015). Collection method: clinical testing. Allele origin: germline.

Ambry Genetics
Classification: Uncertain significance for Primary ciliary dyskinesia. Last evaluated: 2023-11-28. Review status: criteria provided, single submitter. Criteria: Ambry Variant Classification Scheme 2023. Collection method: clinical testing. Allele origin: germline.
Comment: The p.A3895T variant (also known as c.11683G>A), located in coding exon 71 of the DNAH11 gene, results from a G to A substitution at nucleotide position 11683. The alanine at codon 3895 is replaced by threonine, an amino acid with similar properties. This amino acid position is conserved. In addition, this alteration is predicted to be tolerated by in silico analysis. Since supporting evidence is limited at this time, the clinical significance of this alteration remains unclear.

NM_001277115.2(DNAH11):c.11683G>A (p.Ala3895Thr)

Gene: DNAH11 (dynein axonemal heavy chain 11; plus strand). Cytogenetic location: 7p15.3.
Variant type: single nucleotide variant.
Coding change: c.11683G>A on transcript NM_001277115.2 (MANE Select); coding-DNA position 11683, G replaced by A.
Protein change: p.Ala3895Thr; replaces alanine 3895 with threonine.
Molecular consequence: missense variant.
Genome position (GRCh38, 1-based): chr7:21,866,656, G>A. VCF-style: chr7-21866656-G-A. GRCh37 (hg19) VCF-style: chr7-21906274-G-A.
Other names: c.11683G>A (NM_001277115.1); c.11704G>A, p.Ala3902Thr (NM_003777.3); short protein forms A3895T, A3902T.
Identifiers: ClinVar variation 2860287 (VCV002860287.4), dbSNP rs1203128467, ClinGen allele CA366962230.